The following is an entry in ClinVar:

NM_022455.5(NSD1):c.6547T>G (p.Cys2183Gly)

Gene: NSD1 (nuclear receptor binding SET domain protein 1; plus strand). Cytogenetic location: 5q35.3.
Variant type: single nucleotide variant.
Coding change: c.6547T>G on transcript NM_022455.5 (MANE Select); coding-DNA position 6547, T replaced by G.
Protein change: p.Cys2183Gly; replaces cysteine 2183 with glycine.
Molecular consequence: missense variant.
Genome position (GRCh38, 1-based): chr5:177,293,915, T>G. VCF-style: chr5-177293915-T-G. GRCh37 (hg19) VCF-style: chr5-176720916-T-G.
Other names: c.5674T>G, p.Cys1892Gly (NM_172349.5, NM_001365684.2, NM_001409308.1); c.6547T>G, p.Cys2183Gly (NM_001409301.1, NM_001409302.1, NM_001409303.1); c.6127T>G, p.Cys2043Gly (NM_001409304.1); c.5794T>G, p.Cys1932Gly (NM_001409305.1); c.5785T>G, p.Cys1929Gly (NM_001409306.1, NM_001409307.1); c.5425T>G, p.Cys1809Gly (NM_001409309.1); short protein forms C2183G, C1914G, C1809G, C1929G, C1932G, C1892G, C2043G.
Identifiers: ClinVar variation 524699 (VCV000524699.11), dbSNP rs1554207287, ClinGen allele CA362323882.

ClinVar aggregate classification (germline): Pathogenic/Likely pathogenic. Review status: criteria provided, multiple submitters, no conflicts (2 of 4 stars). 2 submissions from 2 submitters: Pathogenic (1); Likely pathogenic (1). Last evaluated 2021-07-15.

Conditions:
Sotos syndrome (SOTOS). Also called: Distinctive facial appearance, overgrowth in childhood, and learning disabilities or delayed development; CEREBRAL GIGANTISM; Sotos' syndrome; CHROMOSOME 5q35 DELETION SYNDROME; SOTOS SYNDROME 1. Identifiers: Orphanet 821, MedGen C0175695, MONDO:0019349, OMIM 117550.

Submissions (2):

Genome-Nilou Lab
Classification: Likely pathogenic for Sotos syndrome. Last evaluated: 2021-07-15. Review status: criteria provided, single submitter. Criteria: ACMG Guidelines, 2015. Collection method: clinical testing. Allele origin: germline. Affected: no.

Labcorp Genetics (formerly Invitae), Labcorp
Classification: Pathogenic. Last evaluated: 2020-01-31. Review status: criteria provided, single submitter. Criteria: Invitae Variant Classification Sherloc (09022015). Collection method: clinical testing. Allele origin: germline.
Comment: This sequence change replaces cysteine with glycine at codon 2183 of the NSD1 protein (p.Cys2183Gly). The cysteine residue is highly conserved and there is a large physicochemical difference between cysteine and glycine. This variant is not present in population databases (ExAC no frequency). This variant has been observed in individual(s) with clinical features of Sotos syndrome (Invitae). In at least one individual the variant was observed to be de novo. ClinVar contains an entry for this variant (Variation ID: 524699). Algorithms developed to predict the effect of missense changes on protein structure and function are either unavailable or do not agree on the potential impact of this missense change (SIFT: "Deleterious"; PolyPhen-2: "Probably Damaging"; Align-GVGD: "Class C0"). Algorithms developed to predict the effect of sequence changes on RNA splicing suggest that this variant may create or strengthen a splice site, but this prediction has not been confirmed by published transcriptional studies. This variant disrupts the p.Cys2183 amino acid residue in NSD1. Other variant(s) that disrupt this residue have been determined to be pathogenic (PMID: 12464997). This suggests that this residue is clinically significant, and that variants that disrupt this residue are likely to be disease-causing. For these reasons, this variant has been classified as Pathogenic.

Literature cited by the submitters: PubMed 12464997 (cited by Labcorp Genetics (formerly Invitae), Labcorp).